The following is an entry in ClinVar:

NM_004006.3(DMD):c.6364_6365del (p.Glu2122fs)

Gene: DMD (dystrophin; minus strand). Cytogenetic location: Xp21.1.
Variant type: Deletion.
Coding change: c.6364_6365del on transcript NM_004006.3 (MANE Select); coding-DNA positions 6364 to 6365, 2 bases deleted (GA; older notation c.6364_6365delGA).
Protein change: p.Glu2122fs; shifts the reading frame from glutamic acid 2122.
Molecular consequence: frameshift variant.
Genome position (GRCh38, 1-based): chrX:32,216,989-32,216,990, TC deleted on the plus strand (GA on the coding strand, the reverse complement: DMD is on the minus strand); deleting any 2 consecutive bases within chrX:32,216,989-32,216,991 gives the same sequence; the c. name uses the placement nearest the transcript's 3' end. VCF-style (leftmost placement, unchanged base first): chrX-32216988-TTC-T. GRCh37 (hg19) VCF-style: chrX-32235105-TTC-T.
Other names: c.6340_6341del, p.Glu2114fs (NM_000109.4); c.6352_6353del, p.Glu2118fs (NM_004009.3); c.5995_5996del, p.Glu1999fs (NM_004010.3); c.2341_2342del, p.Glu781fs (NM_004011.4); c.2332_2333del, p.Glu778fs (NM_004012.4); short protein forms E2114fs, E2118fs, E778fs, E2122fs, E1999fs, E781fs.
Identifiers: ClinVar variation 803850 (VCV000803850.3), dbSNP rs1603628482, ClinGen allele CA915950837.

ClinVar aggregate classification (germline): Pathogenic. Review status: criteria provided, multiple submitters, no conflicts (2 of 4 stars). 2 submissions from 2 submitters: Pathogenic (2). Last evaluated 2024-04-02.

Conditions:
Duchenne muscular dystrophy (DMD). Also called: Duchenne Muscular Dystrophy (DMD); MUSCULAR DYSTROPHY, PSEUDOHYPERTROPHIC PROGRESSIVE, DUCHENNE TYPE. Identifiers: Orphanet 98896, MedGen C0013264, MONDO:0010679, OMIM 310200.

Submissions (2):

Labcorp Genetics (formerly Invitae), Labcorp
Classification: Pathogenic for Duchenne muscular dystrophy. Last evaluated: 2024-04-02. Review status: criteria provided, single submitter. Criteria: Invitae Variant Classification Sherloc (09022015). Collection method: clinical testing. Allele origin: germline.
Comment: This sequence change creates a premature translational stop signal (p.Glu2122Serfs*2) in the DMD gene. It is expected to result in an absent or disrupted protein product. Loss-of-function variants in DMD are known to be pathogenic (PMID: 16770791, 25007885). This variant is not present in population databases (gnomAD no frequency). This variant has not been reported in the literature in individuals affected with DMD-related conditions. ClinVar contains an entry for this variant (Variation ID: 803850). For these reasons, this variant has been classified as Pathogenic.

Mendelics
Classification: Pathogenic for Duchenne muscular dystrophy. Last evaluated: 2019-05-28. Review status: criteria provided, single submitter. Criteria: Mendelics Assertion Criteria 2017. Collection method: clinical testing. Allele origin: unknown.

Literature cited by the submitters: PubMed 16770791 (cited by Labcorp Genetics (formerly Invitae), Labcorp); PubMed 25007885 (cited by Labcorp Genetics (formerly Invitae), Labcorp).